The following is an entry in ClinVar:

ClinVar aggregate classification (germline): Uncertain significance (1 of 4 stars; one submission).

Conditions:
Hyperkalemic periodic paralysis. Also called: Familial hyperkalemic periodic paralysis; Gamstorp disease. Identifiers: Orphanet 682, MedGen C0238357, MONDO:0008224, OMIM 170500, HP:0007215.

Submission:

Labcorp Genetics (formerly Invitae), Labcorp
Classification: Uncertain significance for Hyperkalemic periodic paralysis. Last evaluated: 2022-12-30. Review status: criteria provided, single submitter. Criteria: Invitae Variant Classification Sherloc (09022015). Collection method: clinical testing. Allele origin: germline.
Comment: In summary, the available evidence is currently insufficient to determine the role of this variant in disease. Therefore, it has been classified as a Variant of Uncertain Significance. Advanced modeling of protein sequence and biophysical properties (such as structural, functional, and spatial information, amino acid conservation, physicochemical variation, residue mobility, and thermodynamic stability) performed at Invitae indicates that this missense variant is not expected to disrupt SCN4A protein function. This variant has not been reported in the literature in individuals affected with SCN4A-related conditions. This variant is not present in population databases (gnomAD no frequency). This sequence change replaces serine, which is neutral and polar, with alanine, which is neutral and non-polar, at codon 172 of the SCN4A protein (p.Ser172Ala).

NM_000334.4(SCN4A):c.514T>G (p.Ser172Ala)

Gene: SCN4A (sodium voltage-gated channel alpha subunit 4; minus strand). Cytogenetic location: 17q23.3.
Variant type: single nucleotide variant.
Coding change: c.514T>G on transcript NM_000334.4 (MANE Select); coding-DNA position 514, T replaced by G.
Protein change: p.Ser172Ala; replaces serine 172 with alanine.
Molecular consequence: missense variant.
Genome position (GRCh38, 1-based): chr17:63,971,819, A>C on the plus strand (T>G on the coding strand, the complement: SCN4A is on the minus strand). VCF-style: chr17-63971819-A-C. GRCh37 (hg19) VCF-style: chr17-62049179-A-C.
Other names: short protein forms S172A.
Identifiers: ClinVar variation 2920059 (VCV002920059.3), dbSNP rs1440117823, ClinGen allele CA400639224.
Genomic context (GRCh38, chr17:63,971,819, plus strand): 5'-GGTCCCGGAGGAATGTGAAGTCGTCGACACAGAAGCCTCGGGCCAGTATCTTGATGAGGG[A>C]CTCAAAGGTGTAGATCCCTGTGAAGGTGTACCTGGGGGGGAGAGGGCCGGCCGGGACAGG-3'
Protein context (NP_000325.4, residues 162-182): YTFTGIYTFE[Ser172Ala]LIKILARGFC